The following is an entry in ClinVar:

ClinVar aggregate classification (germline): Likely pathogenic. Review status: criteria provided, multiple submitters, no conflicts (2 of 4 stars). 3 submissions from 3 submitters: Likely pathogenic (2). 1 of the submissions does not count toward it. Last evaluated 2025-06-17.

Conditions:
Spastic paraplegia. Identifiers: MedGen C0037772, HP:0001258.
Hereditary spastic paraplegia 4. Also called: Spastic paraplegia 4, autosomal dominant; Familial spastic paraplegia autosomal dominant 2; Spastic Paraplegia 4. Identifiers: Orphanet 100985, MedGen C1866855, MONDO:0008438, OMIM 182601.

Submissions (3):

Women's Health and Genetics/Laboratory Corporation of America, LabCorp
Classification: Likely pathogenic for Hereditary spastic paraplegia 4. Last evaluated: 2025-06-17. Review status: criteria provided, single submitter. Criteria: LabCorp Variant Classification Summary - May 2015. Collection method: clinical testing. Allele origin: germline.
Comment: Variant summary: SPAST c.1649C>T (p.Thr550Ile) results in a non-conservative amino acid change in the encoded protein sequence. Algorithms developed to predict the effect of missense changes on protein structure and function all suggest that this variant is likely to be disruptive. The variant was absent in 250240 control chromosomes. c.1649C>T has been observed in individuals affected with Autosomal Dominant Spastic Paraplegia and has been found to segregate with the disease phenotype in at least one family (e.g. Ivanova_2006, Orlacchio_2008, McCorquodale_2011, Chelban_2017, Mereaux_2022, internal data). These data indicate that the variant is likely to be associated with disease. To our knowledge, no experimental evidence demonstrating an impact on protein function has been reported. The following publications have been ascertained in the context of this evaluation (PMID: 28572275, 17100993, 20718791, 34983064, 17971434). ClinVar contains an entry for this variant (Variation ID: 569248). Based on the evidence outlined above, the variant was classified as likely pathogenic.

Labcorp Genetics (formerly Invitae), Labcorp
Classification: Likely pathogenic for Hereditary spastic paraplegia 4. Last evaluated: 2020-01-06. Review status: criteria provided, single submitter. Criteria: Invitae Variant Classification Sherloc (09022015). Collection method: clinical testing. Allele origin: germline.
Comment: This sequence change replaces threonine with isoleucine at codon 550 of the SPAST protein (p.Thr550Ile). The threonine residue is highly conserved and there is a moderate physicochemical difference between threonine and isoleucine. This variant is not present in population databases (ExAC no frequency). This variant has been observed in individual(s) with hereditary spastic paraplegia (PMID: 17100993, 20718791, Invitae). It has also been observed to segregate with disease in related individuals. This variant is also known as g.91195C>T in the literature. ClinVar contains an entry for this variant (Variation ID: 569248). Advanced modeling of protein sequence and biophysical properties (such as structural, functional, and spatial information, amino acid conservation, physicochemical variation, residue mobility, and thermodynamic stability) performed at Invitae indicates that this missense variant is expected to disrupt SPAST protein function. In summary, the currently available evidence indicates that the variant is pathogenic, but additional data are needed to prove that conclusively. Therefore, this variant has been classified as Likely Pathogenic.

Paris Brain Institute, Inserm - ICM
Classification: Uncertain significance for Spastic paraplegia. Review status: flagged submission. Criteria: ACMG Guidelines, 2015. Collection method: clinical testing. Allele origin: unknown. Affected: yes. Observed: 1 variant allele. Not counted in ClinVar's aggregate classification.
ClinVar note: Reason: Claim with insufficient supporting evidence

Literature cited by the submitters: PubMed 20718791 (cited by Women's Health and Genetics/Laboratory Corporation of America, LabCorp and Labcorp Genetics (formerly Invitae), Labcorp); PubMed 28572275 (cited by Women's Health and Genetics/Laboratory Corporation of America, LabCorp); PubMed 34983064 (cited by Women's Health and Genetics/Laboratory Corporation of America, LabCorp); PubMed 17100993 (cited by Women's Health and Genetics/Laboratory Corporation of America, LabCorp and Labcorp Genetics (formerly Invitae), Labcorp); PubMed 17971434 (cited by Women's Health and Genetics/Laboratory Corporation of America, LabCorp).

NM_014946.4(SPAST):c.1649C>T (p.Thr550Ile)

Gene: SPAST (spastin; plus strand). Cytogenetic location: 2p22.3.
Variant type: single nucleotide variant.
Coding change: c.1649C>T on transcript NM_014946.4 (MANE Select); coding-DNA position 1649, C replaced by T.
Protein change: p.Thr550Ile; replaces threonine 550 with isoleucine.
Molecular consequence: missense variant. On other transcripts: intron variant (1).
Genome position (GRCh38, 1-based): chr2:32,144,969, C>T. VCF-style: chr2-32144969-C-T. GRCh37 (hg19) VCF-style: chr2-32370038-C-T.
Other names: c.1646C>T, p.Thr549Ile (NM_001363823.2); c.1550C>T, p.Thr517Ile (NM_001363875.2); c.1553C>T, p.Thr518Ile (NM_199436.2); c.1520+1554C>T (NM_001377959.1); short protein forms T550I, T517I, T549I, T518I.
Identifiers: ClinVar variation 569248 (VCV000569248.11), dbSNP rs1553319537, ClinGen allele CA346504222.
Genomic context (GRCh38, chr2:32,144,969, plus strand): 5'-TTTGCTGTTTCTTCCTTCCCTTCCTCAGAATGACTGATGGATACTCAGGAAGTGACCTAA[C>T]AGCTTTGGCAAAAGATGCAGCACTGGGTCCTATCCGAGGTAGGTATACAAGAGCTTAAAA-3'
Protein context (NP_055761.2, residues 540-560): MTDGYSGSDL[Thr550Ile]ALAKDAALGP